The following is an entry in ClinVar:

NM_030665.4(RAI1):c.2665G>A (p.Asp889Asn)

Gene: RAI1 (retinoic acid induced 1; plus strand). Cytogenetic location: 17p11.2.
Variant type: single nucleotide variant.
Coding change: c.2665G>A on transcript NM_030665.4 (MANE Select); coding-DNA position 2665, G replaced by A.
Protein change: p.Asp889Asn; replaces aspartic acid 889 with asparagine.
Molecular consequence: missense variant.
Genome position (GRCh38, 1-based): chr17:17,795,613, G>A. VCF-style: chr17-17795613-G-A. GRCh37 (hg19) VCF-style: chr17-17698927-G-A.
Other names: short protein forms D889N.
Identifiers: ClinVar variation 3347336 (VCV003347336.1).

ClinVar aggregate classification (germline): Uncertain significance (0 of 4 stars; one submission).

Conditions:
RAI1-related disorder. Also called: RAI1-related condition.

Submission:

PreventionGenetics, part of Exact Sciences
Classification: Uncertain significance for RAI1-related condition. Last evaluated: 2024-08-07. Review status: no assertion criteria provided. Collection method: clinical testing. Allele origin: germline.
Comment: The RAI1 c.2665G>A variant is predicted to result in the amino acid substitution p.Asp889Asn. To our knowledge, this variant has not been reported in the literature or in a large population database, indicating this variant is rare. At this time, the clinical significance of this variant is uncertain due to the absence of conclusive functional and genetic evidence.